The following is an entry in ClinVar:

ClinVar aggregate classification (germline): Uncertain significance (1 of 4 stars; one submission).

Conditions:
Sclerosteosis 2 (SOST2). Identifiers: Orphanet 3152, MedGen C3280402, MONDO:0013679, OMIM 614305.
Congenital myasthenic syndrome 17. Identifiers: Orphanet 590, MedGen C4225377, MONDO:0014578, OMIM 616304.
Cenani-Lenz syndactyly syndrome. Also called: CENANI SYNDACTYLISM; SYNDACTYLY, TYPE VII. Identifiers: Orphanet 3258, MedGen C1859309, MONDO:0008931, OMIM 212780.

Allele frequency attached by ClinVar (database versions not stated): gnomAD exomes below 0.00001; ExAC 0.00001.
gnomAD v4.1: 1 of 1,613,958 alleles (0.000062%); highest among the groups gnomAD compares: Admixed American, 0.0017%; no homozygotes.

Submission:

Labcorp Genetics (formerly Invitae), Labcorp
Classification: Uncertain significance for Cenani-Lenz syndactyly syndrome; Sclerosteosis 2; Congenital myasthenic syndrome 17. Last evaluated: 2021-07-16. Review status: criteria provided, single submitter. Criteria: Invitae Variant Classification Sherloc (09022015). Collection method: clinical testing. Allele origin: germline.
Comment: In summary, the available evidence is currently insufficient to determine the role of this variant in disease. Therefore, it has been classified as a Variant of Uncertain Significance. Algorithms developed to predict the effect of missense changes on protein structure and function are either unavailable or do not agree on the potential impact of this missense change (SIFT: "Deleterious"; PolyPhen-2: "Benign"; Align-GVGD: "Class C15"). This variant has not been reported in the literature in individuals affected with LRP4-related conditions. This variant is present in population databases (rs756941634, ExAC 0.009%). This sequence change replaces tyrosine with phenylalanine at codon 912 of the LRP4 protein (p.Tyr912Phe). The tyrosine residue is highly conserved and there is a small physicochemical difference between tyrosine and phenylalanine.

NM_002334.4(LRP4):c.2735A>T (p.Tyr912Phe)

Gene: LRP4 (LDL receptor related protein 4; minus strand). Cytogenetic location: 11p11.2.
Variant type: single nucleotide variant.
Coding change: c.2735A>T on transcript NM_002334.4 (MANE Select); coding-DNA position 2735, A replaced by T.
Protein change: p.Tyr912Phe; replaces tyrosine 912 with phenylalanine.
Molecular consequence: missense variant.
Genome position (GRCh38, 1-based): chr11:46,881,781, T>A on the plus strand (A>T on the coding strand, the complement: LRP4 is on the minus strand). VCF-style: chr11-46881781-T-A. GRCh37 (hg19) VCF-style: chr11-46903332-T-A.
Other names: short protein forms Y912F.
Identifiers: ClinVar variation 1356464 (VCV001356464.7), dbSNP rs756941634, ClinGen allele CA5969815.